The following is an entry in ClinVar:

NM_024753.5(TTC21B):c.1387-58dup

Gene: TTC21B (tetratricopeptide repeat domain 21B; minus strand). Cytogenetic location: 2q24.3.
Variant type: Duplication.
Coding change: c.1387-58dup on transcript NM_024753.5 (MANE Select); 58 bases into the intron before coding-DNA position 1387, one base duplicated (T; older notation c.1387-58dupT).
Molecular consequence: intron variant.
Genome position (GRCh38, 1-based): chr2:165,924,733, A duplicated on the plus strand (T on the coding strand, the reverse complement: TTC21B is on the minus strand); the first of 4 consecutive A bases (chr2:165,924,733-165,924,736); duplicating any one gives the same sequence. VCF-style (leftmost placement, unchanged base first): chr2-165924732-T-TA. GRCh37 (hg19) VCF-style: chr2-166781242-T-TA.
Identifiers: ClinVar variation 674965 (VCV000674965.1), dbSNP rs58208220, ClinGen allele CA59805085.
Genomic context (GRCh38, chr2:165,924,732, plus strand): 5'-TTGCAGGCTAAACAAAACAAATCAGCAGATCATTTTATAAGTGTAAAAATAATATTTACC[T>TA]AAAATAAACATATATTAATTTTAGTATAACTAACCAAGCTATATACATTTTTCTAAAATT-3'

ClinVar aggregate classification (germline): Benign (1 of 4 stars; one submission).

Submission:

GeneDx
Classification: Benign. Last evaluated: 2018-06-16. Review status: criteria provided, single submitter. Criteria: GeneDx Variant Classification (06012015). Collection method: clinical testing. Allele origin: germline. Affected: yes.
Comment: This variant is considered likely benign or benign based on one or more of the following criteria: it is a conservative change, it occurs at a poorly conserved position in the protein, it is predicted to be benign by multiple in silico algorithms, and/or has population frequency not consistent with disease.